The following is an entry in ClinVar:

NM_003737.4(DCHS1):c.7987C>G (p.His2663Asp)

Gene: DCHS1 (dachsous cadherin-related 1; minus strand). Cytogenetic location: 11p15.4.
Variant type: single nucleotide variant.
Coding change: c.7987C>G on transcript NM_003737.4 (MANE Select); coding-DNA position 7987, C replaced by G.
Protein change: p.His2663Asp; replaces histidine 2663 with aspartic acid.
Molecular consequence: missense variant.
Genome position (GRCh38, 1-based): chr11:6,623,689, G>C on the plus strand (C>G on the coding strand, the complement: DCHS1 is on the minus strand). VCF-style: chr11-6623689-G-C. GRCh37 (hg19) VCF-style: chr11-6644920-G-C.
Other names: short protein forms H2663D.
Identifiers: ClinVar variation 3652219 (VCV003652219.2).

ClinVar aggregate classification (germline): Uncertain significance (1 of 4 stars; one submission).

Submission:

Labcorp Genetics (formerly Invitae), Labcorp
Classification: Uncertain significance. Last evaluated: 2024-05-11. Review status: criteria provided, single submitter. Criteria: Invitae Variant Classification Sherloc (09022015). Collection method: clinical testing. Allele origin: germline.
Comment: This sequence change replaces histidine, which is basic and polar, with aspartic acid, which is acidic and polar, at codon 2663 of the DCHS1 protein (p.His2663Asp). This variant is not present in population databases (gnomAD no frequency). This variant has not been reported in the literature in individuals affected with DCHS1-related conditions. Advanced modeling of protein sequence and biophysical properties (such as structural, functional, and spatial information, amino acid conservation, physicochemical variation, residue mobility, and thermodynamic stability) performed at Invitae indicates that this missense variant is not expected to disrupt DCHS1 protein function with a negative predictive value of 80%. In summary, the available evidence is currently insufficient to determine the role of this variant in disease. Therefore, it has been classified as a Variant of Uncertain Significance.